The following is an entry in ClinVar:

NM_001122955.4(BSCL2):c.1282C>T (p.Pro428Ser)

Genes: BSCL2 (BSCL2 lipid droplet biogenesis associated, seipin; minus strand), HNRNPUL2-BSCL2 (HNRNPUL2-BSCL2 readthrough (NMD candidate); minus strand). Cytogenetic location: 11q12.3.
Variant type: single nucleotide variant.
Coding change: c.1282C>T on transcript NM_001122955.4 (MANE Select); coding-DNA position 1282, C replaced by T.
Protein change: p.Pro428Ser; replaces proline 428 with serine.
Molecular consequence: missense variant. On other transcripts: non-coding transcript variant (1), 3 prime UTR variant (1).
Genome position (GRCh38, 1-based): chr11:62,690,474, G>A on the plus strand (C>T on the coding strand, the complement: BSCL2 is on the minus strand). VCF-style: chr11-62690474-G-A. GRCh37 (hg19) VCF-style: chr11-62457946-G-A.
Other names: c.*84C>T (NM_001130702.2); c.1288C>T, p.Pro430Ser (NM_001386027.1); c.1282C>T, p.Pro428Ser (NM_001386028.1); c.1090C>T, p.Pro364Ser (NM_032667.6); c.1282C>T (NM_001122955.3); short protein forms P364S, P428S, P430S.
Identifiers: ClinVar variation 387999 (VCV000387999.18), dbSNP rs369732238, ClinGen allele CA6053261.

ClinVar aggregate classification (germline): Uncertain significance. Review status: criteria provided, multiple submitters, no conflicts (2 of 4 stars). 7 submissions from 7 submitters: Uncertain significance (7). Last evaluated 2025-12-20.

Conditions:
BSCL2-related disorder. Also called: BSCL2-Related Disorders; BSCL2-related condition.
Congenital generalized lipodystrophy type 2 (CGL2). Also called: BERARDINELLI SYNDROME; BRUNZELL SYNDROME, BSCL2-RELATED; Berardinelli-Seip Congenital Lipodystrophy Type 2; SEIP SYNDROME. Identifiers: Orphanet 528, Orphanet 696289, MedGen C1720863, MONDO:0010020, OMIM 269700.
Neuronopathy, distal hereditary motor, type 5C. Also called: NEURONOPATHY, DISTAL HEREDITARY MOTOR, AUTOSOMAL DOMINANT 13; DHMN VC; NEURONOPATHY, DISTAL HEREDITARY MOTOR, HARDING TYPE VC; NEUROPATHY, DISTAL HEREDITARY MOTOR, HARDING TYPE VC; SPINAL MUSCULAR ATROPHY, DISTAL, HARDING TYPE VC. Identifiers: MedGen C5436838, MONDO:0030860, OMIM 619112.
Severe neurodegenerative syndrome with lipodystrophy. Also called: ENCEPHALOPATHY, PROGRESSIVE, WITH LIPODYSTROPHY; Encephalopathy, progressive, with or without lipodystrophy. Identifiers: Orphanet 363400, MedGen C4014700, MONDO:0014402, OMIM 615924.
Hereditary spastic paraplegia 17. Also called: Silver spastic paraplegia syndrome; Spastic Paraplegia 17; Autosomal dominant spastic paraplegia type 17; Silver Syndrome; SPASTIC PARAPLEGIA WITH AMYOTROPHY OF HANDS AND FEET. Identifiers: Orphanet 100998, MedGen C2931276, MONDO:0010043, OMIM 270685.
Inborn genetic diseases. Identifiers: MedGen C0950123, MeSH D030342.
Charcot-Marie-Tooth disease type 2. Also called: Charcot-Marie-Tooth type 2. Identifiers: Orphanet 64746, MedGen C0270914, MONDO:0018993.
Hereditary spastic paraplegia. Also called: Familial spastic paraparesis. Identifiers: Orphanet 685, MedGen C0037773, MONDO:0019064. Disease mechanism: loss of function.

Allele frequency attached by ClinVar (database versions not stated): ExAC 0.00001; gnomAD exomes 0.00002 and 0.00003; gnomAD 0.00004; TOPMed 0.00006; ESP Exome Variant Server 0.00008.
gnomAD v4.1: 36 of 1,614,074 alleles (0.0022%); highest among the groups gnomAD compares: Middle Eastern, 0.016%; no homozygotes.

Submissions (7):

PreventionGenetics, part of Exact Sciences
Classification: Uncertain significance for BSCL2-related condition. Last evaluated: 2025-12-20. Review status: criteria provided, single submitter. Criteria: ACMG Guidelines, 2015. Collection method: clinical testing. Allele origin: germline.
Comment: The BSCL2 c.1282C>T variant is predicted to result in the amino acid substitution p.Pro428Ser. This variant has been reported in a patient with amyotrophic lateral sclerosis (ALS) (Scarlino et al. 2020. PubMed ID: 32397312). This variant is reported in 0.0053% of alleles in individuals of European (non-Finnish) descent in gnomAD. At this time, its clinical significance is uncertain due to the absence of conclusive functional and genetic evidence.

Labcorp Genetics (formerly Invitae), Labcorp
Classification: Uncertain significance for Charcot-Marie-Tooth disease type 2. Last evaluated: 2025-11-28. Review status: criteria provided, single submitter. Criteria: Invitae Variant Classification Sherloc (09022015). Collection method: clinical testing. Allele origin: germline.
Comment: This sequence change replaces proline, which is neutral and non-polar, with serine, which is neutral and polar, at codon 364 of the BSCL2 protein (p.Pro364Ser). This variant is present in population databases (rs369732238, gnomAD 0.005%). This missense change has been observed in individual(s) with clinical features of BSCL2-related conditions (internal data). ClinVar contains an entry for this variant (Variation ID: 387999). An algorithm developed to predict the effect of missense changes on protein structure and function (PolyPhen-2) suggests that this variant is likely to be disruptive. In summary, the available evidence is currently insufficient to determine the role of this variant in disease. Therefore, it has been classified as a Variant of Uncertain Significance.

Fulgent Genetics
Classification: Uncertain significance for Congenital generalized lipodystrophy type 2; Hereditary spastic paraplegia 17; Severe neurodegenerative syndrome with lipodystrophy; Neuronopathy, distal hereditary motor, type 5C. Last evaluated: 2024-02-05. Review status: criteria provided, single submitter. Criteria: ACMG Guidelines, 2015. Collection method: clinical testing. Allele origin: germline.

Ambry Genetics
Classification: Uncertain significance for Inborn genetic diseases. Last evaluated: 2021-07-14. Review status: criteria provided, single submitter. Criteria: Ambry Variant Classification Scheme 2023. Collection method: clinical testing. Allele origin: germline.
Comment: The p.P364S variant (also known as c.1090C>T), located in coding exon 10 of the BSCL2 gene, results from a C to T substitution at nucleotide position 1090. The proline at codon 364 is replaced by serine, an amino acid with similar properties. This amino acid position is conserved. In addition, this alteration is predicted to be tolerated by in silico analysis. Since supporting evidence is limited at this time, the clinical significance of this alteration remains unclear.

GeneDx
Classification: Uncertain significance. Last evaluated: 2019-10-29. Review status: criteria provided, single submitter. Criteria: GeneDx Variant Classification Process June 2021. Collection method: clinical testing. Allele origin: germline. Affected: yes.
Comment: Not observed at a significant frequency in large population cohorts (Lek et al., 2016); In silico analysis, which includes protein predictors and evolutionary conservation, supports a deleterious effect; Has not been previously published as pathogenic or benign to our knowledge

Baylor Genetics
Classification: Uncertain significance for Severe neurodegenerative syndrome with lipodystrophy. Last evaluated: 2018-10-16. Review status: criteria provided, single submitter. Criteria: ACMG Guidelines, 2015. Collection method: clinical testing. Allele origin: paternal. Affected: yes.
Comment: This variant was determined to be of uncertain significance according to ACMG Guidelines, 2015 [PMID:25741868].

Genome Diagnostics Laboratory, The Hospital for Sick Children
Classification: Uncertain significance for Hereditary spastic paraplegia. Last evaluated: 2017-03-10. Review status: criteria provided, single submitter. Criteria: ACMG Guidelines, 2015. Collection method: clinical testing. Allele origin: germline. Affected: yes.